The following is an entry in ClinVar:

ClinVar aggregate classification (germline): Uncertain significance. Review status: criteria provided, multiple submitters, no conflicts (2 of 4 stars). 3 submissions from 3 submitters: Uncertain significance (3). Last evaluated 2025-04-10.

Conditions:
Asphyxiating thoracic dystrophy 3. Also called: SHORT-RIB THORACIC DYSPLASIA 3 WITH OR WITHOUT POLYDACTYLY; POLYDACTYLY WITH NEONATAL CHONDRODYSTROPHY, TYPE I; SHORT-RIB THORACIC DYSPLASIA 3/6 WITH POLYDACTYLY, DIGENIC; Short rib polydactyly syndrome 2B; Saldino-Noonan Syndrome. Identifiers: Orphanet 474, Orphanet 93269, Orphanet 93270, Orphanet 93271, MedGen C0036069, MONDO:0013127, OMIM 613091.
Inborn genetic diseases. Identifiers: MedGen C0950123, MeSH D030342.
Jeune thoracic dystrophy. Also called: Short-rib thoracic dysplasia; Jeune syndrome; Infantile thoracic dystrophy; Thoracic pelvic phalangeal dystrophy; Jeune's syndrome; Chondroectodermal dysplasia-like syndrome. Identifiers: Orphanet 474, MedGen C0265275, MONDO:0018770.

Allele frequency attached by ClinVar (database versions not stated): gnomAD exomes below 0.00001 and 0.00001.
gnomAD v4.1: 3 of 1,608,386 alleles (0.00019%); highest among the groups gnomAD compares: Admixed American, 0.0017%; no homozygotes.

Submissions (3):

Ambry Genetics
Classification: Uncertain significance for Inborn genetic diseases. Last evaluated: 2025-04-10. Review status: criteria provided, single submitter. Criteria: Ambry Variant Classification Scheme 2023. Collection method: clinical testing. Allele origin: germline.

Labcorp Genetics (formerly Invitae), Labcorp
Classification: Uncertain significance for Jeune thoracic dystrophy. Last evaluated: 2024-11-11. Review status: criteria provided, single submitter. Criteria: Invitae Variant Classification Sherloc (09022015). Collection method: clinical testing. Allele origin: germline.
Comment: This sequence change replaces isoleucine, which is neutral and non-polar, with valine, which is neutral and non-polar, at codon 3193 of the DYNC2H1 protein (p.Ile3193Val). This variant is present in population databases (no rsID available, gnomAD 0.003%). This variant has not been reported in the literature in individuals affected with DYNC2H1-related conditions. ClinVar contains an entry for this variant (Variation ID: 302081). Invitae Evidence Modeling of protein sequence and biophysical properties (such as structural, functional, and spatial information, amino acid conservation, physicochemical variation, residue mobility, and thermodynamic stability) has been performed for this missense variant. However, the output from this modeling did not meet the statistical confidence thresholds required to predict the impact of this variant on DYNC2H1 protein function. In summary, the available evidence is currently insufficient to determine the role of this variant in disease. Therefore, it has been classified as a Variant of Uncertain Significance.

Illumina Laboratory Services, Illumina
Classification: Uncertain significance for Asphyxiating thoracic dystrophy 3. Last evaluated: 2018-01-13. Review status: criteria provided, single submitter. Criteria: ICSL Variant Classification Criteria 13 December 2019. Collection method: clinical testing. Allele origin: germline.

NM_001377.3(DYNC2H1):c.9577A>G (p.Ile3193Val)

Gene: DYNC2H1 (dynein cytoplasmic 2 heavy chain 1; plus strand). Cytogenetic location: 11q22.3.
Variant type: single nucleotide variant.
Coding change: c.9577A>G on transcript NM_001377.3 (MANE Select); coding-DNA position 9577, A replaced by G.
Protein change: p.Ile3193Val; replaces isoleucine 3193 with valine.
Molecular consequence: missense variant.
Genome position (GRCh38, 1-based): chr11:103,235,681, A>G. VCF-style: chr11-103235681-A-G. GRCh37 (hg19) VCF-style: chr11-103106410-A-G.
Other names: c.9577A>G, p.Ile3193Val (NM_001080463.2); short protein forms I3193V.
Identifiers: ClinVar variation 302081 (VCV000302081.11), dbSNP rs886047571, ClinGen allele CA10636926.